The following is an entry in ClinVar:

NM_004958.4(MTOR):c.3933C>G (p.Asn1311Lys)

Gene: MTOR (mechanistic target of rapamycin kinase; minus strand). Cytogenetic location: 1p36.22.
Variant type: single nucleotide variant.
Coding change: c.3933C>G on transcript NM_004958.4 (MANE Select); coding-DNA position 3933, C replaced by G.
Protein change: p.Asn1311Lys; replaces asparagine 1311 with lysine.
Molecular consequence: missense variant.
Genome position (GRCh38, 1-based): chr1:11,204,572, G>C on the plus strand (C>G on the coding strand, the complement: MTOR is on the minus strand). VCF-style: chr1-11204572-G-C. GRCh37 (hg19) VCF-style: chr1-11264629-G-C.
Other names: c.3933C>G (LRG_734t1); short protein forms N1311K.
Identifiers: ClinVar variation 661200 (VCV000661200.8), dbSNP rs748390788, ClinGen allele CA590097.

ClinVar aggregate classification (germline): Uncertain significance (1 of 4 stars; one submission).

Allele frequency attached by ClinVar (database versions not stated): gnomAD exomes below 0.00001; ExAC 0.00001.
gnomAD v4.1: 2 of 1,614,106 alleles (0.00012%); highest among the groups gnomAD compares: Non-Finnish European, 0.00017%; no homozygotes.

Submission:

Labcorp Genetics (formerly Invitae), Labcorp
Classification: Uncertain significance. Last evaluated: 2023-09-20. Review status: criteria provided, single submitter. Criteria: Invitae Variant Classification Sherloc (09022015). Collection method: clinical testing. Allele origin: germline.
Comment: In summary, the available evidence is currently insufficient to determine the role of this variant in disease. Therefore, it has been classified as a Variant of Uncertain Significance. Advanced modeling of protein sequence and biophysical properties (such as structural, functional, and spatial information, amino acid conservation, physicochemical variation, residue mobility, and thermodynamic stability) performed at Invitae indicates that this missense variant is not expected to disrupt MTOR protein function. ClinVar contains an entry for this variant (Variation ID: 661200). This variant has not been reported in the literature in individuals affected with MTOR-related conditions. This variant is present in population databases (rs748390788, gnomAD 0.0009%). This sequence change replaces asparagine, which is neutral and polar, with lysine, which is basic and polar, at codon 1311 of the MTOR protein (p.Asn1311Lys).